The following is an entry in ClinVar:

ClinVar aggregate classification (germline): Uncertain significance (1 of 4 stars; one submission).

Submission:

Labcorp Genetics (formerly Invitae), Labcorp
Classification: Uncertain significance. Last evaluated: 2025-11-10. Review status: criteria provided, single submitter. Criteria: Invitae Variant Classification Sherloc (09022015). Collection method: clinical testing. Allele origin: germline.
Comment: This sequence change replaces valine, which is neutral and non-polar, with phenylalanine, which is neutral and non-polar, at codon 566 of the NCSTN protein (p.Val566Phe). This variant is not present in population databases (gnomAD no frequency). This variant has not been reported in the literature in individuals affected with NCSTN-related conditions. Invitae Evidence Modeling of protein sequence and biophysical properties (such as structural, functional, and spatial information, amino acid conservation, physicochemical variation, residue mobility, and thermodynamic stability) indicates that this missense variant is not expected to disrupt NCSTN protein function with a negative predictive value of 80%. In summary, the available evidence is currently insufficient to determine the role of this variant in disease. Therefore, it has been classified as a Variant of Uncertain Significance.

NM_015331.3(NCSTN):c.1696G>T (p.Val566Phe)

Gene: NCSTN (nicastrin; plus strand). Cytogenetic location: 1q23.2.
Variant type: single nucleotide variant.
Coding change: c.1696G>T on transcript NM_015331.3 (MANE Select); coding-DNA position 1696, G replaced by T.
Protein change: p.Val566Phe; replaces valine 566 with phenylalanine.
Molecular consequence: missense variant.
Genome position (GRCh38, 1-based): chr1:160,356,656, G>T. VCF-style: chr1-160356656-G-T. GRCh37 (hg19) VCF-style: chr1-160326446-G-T.
Other names: c.1636G>T, p.Val546Phe (NM_001290184.2); c.1282G>T, p.Val428Phe (NM_001290186.2); c.1696G>T, p.Val566Phe (NM_001349729.2); short protein forms V428F, V546F, V566F.
Identifiers: ClinVar variation 4744781 (VCV004744781.1).